The following is an entry in ClinVar:

ClinVar aggregate classification (germline): Likely pathogenic (1 of 4 stars; one submission).

Submission:

Labcorp Genetics (formerly Invitae), Labcorp
Classification: Likely pathogenic. Last evaluated: 2023-04-26. Review status: criteria provided, single submitter. Criteria: Invitae Variant Classification Sherloc (09022015). Collection method: clinical testing. Allele origin: germline.
Comment: This variant has not been reported in the literature in individuals affected with MYO7A-related conditions. In summary, the currently available evidence indicates that the variant is pathogenic, but additional data are needed to prove that conclusively. Therefore, this variant has been classified as Likely Pathogenic. Algorithms developed to predict the effect of sequence changes on RNA splicing suggest that this variant may disrupt the consensus splice site. ClinVar contains an entry for this variant (Variation ID: 1475767). This variant is not present in population databases (gnomAD no frequency). This sequence change affects an acceptor splice site in intron 32 of the MYO7A gene. It is expected to disrupt RNA splicing. Variants that disrupt the donor or acceptor splice site typically lead to a loss of protein function (PMID: 16199547), and loss-of-function variants in MYO7A are known to be pathogenic (PMID: 8900236, 25404053).

Literature cited by the submitters: PubMed 16199547; PubMed 8900236; PubMed 25404053.

NM_000260.4(MYO7A):c.4324-1G>A

Gene: MYO7A (myosin VIIA; plus strand). Cytogenetic location: 11q13.5.
Variant type: single nucleotide variant.
Coding change: c.4324-1G>A on transcript NM_000260.4 (MANE Select); the canonical splice acceptor site of the intron before coding-DNA position 4324, G replaced by A.
Molecular consequence: splice acceptor variant.
Genome position (GRCh38, 1-based): chr11:77,197,480, G>A. VCF-style: chr11-77197480-G-A. GRCh37 (hg19) VCF-style: chr11-76908525-G-A.
Other names: c.4291-1G>A (NM_001369365.1); c.4324-1G>A (NM_001127180.2).
Identifiers: ClinVar variation 1475767 (VCV001475767.6), dbSNP rs2135657252, ClinGen allele CA381949884.